The following is an entry in ClinVar:

ClinVar aggregate classification (germline): Conflicting classifications of pathogenicity. Review status: criteria provided, conflicting classifications (1 of 4 stars). 4 submissions from 4 submitters: Uncertain significance (2); Likely benign (1). 1 of the submissions does not count toward it. Last evaluated 2024-11-11.

Conditions:
Optic atrophy. Identifiers: MedGen C0029124, MONDO:0003608, HP:0000648.
Autosomal dominant optic atrophy classic form (OPA1). Also called: KJER-TYPE OPTIC ATROPHY; Optic Atrophy Type 1; OPTIC ATROPHY, JUVENILE. Identifiers: Orphanet 98673, MedGen C0338508, MONDO:0008134, OMIM 165500.
OPA1-related disorder. Also called: OPA1-related disorders; OPA1-related condition.

Allele frequency attached by ClinVar (database versions not stated): gnomAD exomes 0.00001 and 0.00003; gnomAD 0.00005 and 0.00007; TOPMed 0.00005.

Submissions (4):

PreventionGenetics, part of Exact Sciences
Classification: Likely benign for OPA1-related condition. Last evaluated: 2024-11-11. Review status: criteria provided, single submitter. Criteria: ACMG Guidelines, 2015. Collection method: clinical testing. Allele origin: germline.
Comment: This variant is classified as likely benign based on ACMG/AMP sequence variant interpretation guidelines (Richards et al. 2015 PMID: 25741868, with internal and published modifications).

Blueprint Genetics
Classification: Uncertain significance. Last evaluated: 2023-03-29. Review status: criteria provided, single submitter. Criteria: ACMG Guidelines, 2015. Collection method: clinical testing. Allele origin: germline.

Illumina Laboratory Services, Illumina
Classification: Uncertain significance for Autosomal dominant optic atrophy classic form. Last evaluated: 2018-01-12. Review status: criteria provided, single submitter. Criteria: ICSL Variant Classification Criteria 13 December 2019. Collection method: clinical testing. Allele origin: germline.

Institute of Human Genetics, Univ. Regensburg, Univ. Regensburg
Classification: Uncertain significance for Optic atrophy. Last evaluated: 2019-01-01. Review status: no assertion criteria provided. Criteria: ACMG Guidelines, 2015. Collection method: clinical testing. Allele origin: germline. Affected: yes. Not counted in ClinVar's aggregate classification.

NM_130837.3(OPA1):c.-3G>A

Gene: OPA1 (OPA1 mitochondrial dynamin like GTPase; plus strand). Cytogenetic location: 3q29.
Variant type: single nucleotide variant.
Coding change: c.-3G>A on transcript NM_130837.3 (MANE Select); 3 bases upstream of the start codon, G replaced by A.
Molecular consequence: 5 prime UTR variant.
Genome position (GRCh38, 1-based): chr3:193,593,375, G>A. VCF-style: chr3-193593375-G-A. GRCh37 (hg19) VCF-style: chr3-193311164-G-A.
Other names: c.-433G>A (NM_001354663.2, NM_001354664.2); c.-3G>A (NM_015560.3, NM_130831.3, NM_130832.3 and 5 more transcripts).
Identifiers: ClinVar variation 903249 (VCV000903249.9), dbSNP rs964787052, ClinGen allele CA90548063.